The following is an entry in ClinVar:

ClinVar aggregate classification (germline): Uncertain significance (1 of 4 stars; one submission).

Allele frequency attached by ClinVar (database versions not stated): TOPMed below 0.00001; gnomAD exomes 0.00001.
gnomAD v4.1: 21 of 1,614,202 alleles (0.0013%); highest among the groups gnomAD compares: Non-Finnish European, 0.0017%; no homozygotes.

Submission:

Labcorp Genetics (formerly Invitae), Labcorp
Classification: Uncertain significance. Last evaluated: 2023-12-11. Review status: criteria provided, single submitter. Criteria: Invitae Variant Classification Sherloc (09022015). Collection method: clinical testing. Allele origin: germline.
Comment: This sequence change replaces glutamine, which is neutral and polar, with leucine, which is neutral and non-polar, at codon 413 of the MERTK protein (p.Gln413Leu). This variant is not present in population databases (gnomAD no frequency). This variant has not been reported in the literature in individuals affected with MERTK-related conditions. ClinVar contains an entry for this variant (Variation ID: 942388). Advanced modeling of protein sequence and biophysical properties (such as structural, functional, and spatial information, amino acid conservation, physicochemical variation, residue mobility, and thermodynamic stability) performed at Invitae indicates that this missense variant is not expected to disrupt MERTK protein function with a negative predictive value of 80%. In summary, the available evidence is currently insufficient to determine the role of this variant in disease. Therefore, it has been classified as a Variant of Uncertain Significance.

NM_006343.3(MERTK):c.1238A>T (p.Gln413Leu)

Gene: MERTK (MER proto-oncogene, tyrosine kinase; plus strand). Cytogenetic location: 2q13.
Variant type: single nucleotide variant.
Coding change: c.1238A>T on transcript NM_006343.3 (MANE Select); coding-DNA position 1238, A replaced by T.
Protein change: p.Gln413Leu; replaces glutamine 413 with leucine.
Molecular consequence: missense variant.
Genome position (GRCh38, 1-based): chr2:111,982,935, A>T. VCF-style: chr2-111982935-A-T. GRCh37 (hg19) VCF-style: chr2-112740512-A-T.
Other names: short protein forms Q413L.
Identifiers: ClinVar variation 942388 (VCV000942388.9), dbSNP rs1676401069, ClinGen allele CA348235658.